The following is an entry in ClinVar:

NM_003742.4(ABCB11):c.1788_1789dup (p.Val597fs)

Gene: ABCB11 (ATP binding cassette subfamily B member 11; minus strand). Cytogenetic location: 2q31.1.
Variant type: Duplication.
Coding change: c.1788_1789dup on transcript NM_003742.4 (MANE Select); coding-DNA positions 1788 to 1789, 2 bases duplicated (GG; older notation c.1788_1789dupGG).
Protein change: p.Val597fs; shifts the reading frame from valine 597.
Molecular consequence: frameshift variant.
Genome position (GRCh38, 1-based): chr2:168,970,065-168,970,066, CC duplicated on the plus strand (GG on the coding strand, the reverse complement: ABCB11 is on the minus strand). VCF-style (leftmost placement, unchanged base first): chr2-168970064-A-ACC. GRCh37 (hg19) VCF-style: chr2-169826574-A-ACC.
Other names: short protein forms V597fs.
Identifiers: ClinVar variation 4846211 (VCV004846211.1).

ClinVar aggregate classification (germline): Pathogenic (1 of 4 stars; one submission).

Conditions:
Familial intrahepatic cholestasis. Identifiers: Orphanet 284385, MedGen CN296401, MONDO:0017290.

Submission:

Genomenon, Inc
Classification: Pathogenic for Familial intrahepatic cholestasis. Last evaluated: 2026-04-14. Review status: criteria provided, single submitter. Criteria: Genomenon Sequence Variant Interpretation Standards - Updated. Collection method: curation. Allele origin: germline. Affected: yes.
Comment: ABCB11 p.Val597GlyfsTer6 (c.1788_1789dup) is a frameshift variant that results in the production of a truncated protein which is predicted to undergo nonsense-mediated mRNA decay. This variant has been observed in at least one proband with an ABCB11-related disorder (PMID:37697751). It is absent or not present at a significant frequency in gnomAD. In conclusion, we classify ABCB11 p.Val597GlyfsTer6 (c.1788_1789dup) as a pathogenic variant.

Literature cited by the submitters: PubMed 37697751.